The following is an entry in ClinVar:

ClinVar aggregate classification (germline): Uncertain significance. Review status: criteria provided, multiple submitters, no conflicts (2 of 4 stars). 2 submissions from 2 submitters: Uncertain significance (2). Last evaluated 2022-12-04.

Conditions:
Hereditary cancer-predisposing syndrome. Also called: Neoplastic Syndromes, Hereditary; Tumor predisposition; Hereditary Cancer Syndrome; Hereditary neoplastic syndrome. Identifiers: Orphanet 140162, MedGen C0027672, MeSH D009386, MONDO:0015356.

Allele frequency attached by ClinVar (database versions not stated): gnomAD exomes 0.00001.
gnomAD v4.1: 16 of 1,614,114 alleles (0.00099%); highest among the groups gnomAD compares: African/African-American, 0.0013%; no homozygotes.

Submissions (2):

Ambry Genetics
Classification: Uncertain significance for Hereditary cancer-predisposing syndrome. Last evaluated: 2022-12-04. Review status: criteria provided, single submitter. Criteria: Ambry Variant Classification Scheme 2023. Collection method: clinical testing. Allele origin: germline.
Comment: The p.I674N variant (also known as c.2021T>A), located in coding exon 18 of the MRE11A gene, results from a T to A substitution at nucleotide position 2021. The isoleucine at codon 674 is replaced by asparagine, an amino acid with dissimilar properties. This amino acid position is poorly conserved in available vertebrate species. In addition, this alteration is predicted to be tolerated by in silico analysis. Since supporting evidence is limited at this time, the clinical significance of this alteration remains unclear.

Women's Health and Genetics/Laboratory Corporation of America, LabCorp
Classification: Uncertain significance. Last evaluated: 2022-06-21. Review status: criteria provided, single submitter. Criteria: LabCorp Variant Classification Summary - May 2015. Collection method: clinical testing. Allele origin: germline.

NM_005591.4(MRE11):c.2021T>A (p.Ile674Asn)

Gene: MRE11 (MRE11 double strand break repair nuclease; minus strand). Cytogenetic location: 11q21.
Variant type: single nucleotide variant.
Coding change: c.2021T>A on transcript NM_005591.4 (MANE Select); coding-DNA position 2021, T replaced by A.
Protein change: p.Ile674Asn; replaces isoleucine 674 with asparagine.
Molecular consequence: missense variant.
Genome position (GRCh38, 1-based): chr11:94,429,960, A>T on the plus strand (T>A on the coding strand, the complement: MRE11 is on the minus strand). VCF-style: chr11-94429960-A-T. GRCh37 (hg19) VCF-style: chr11-94163126-A-T.
Other names: c.2018T>A, p.Ile673Asn (NM_001330347.2); c.1937T>A, p.Ile646Asn (NM_005590.4); short protein forms I646N, I673N, I674N.
Identifiers: ClinVar variation 820548 (VCV000820548.6), dbSNP rs1591633964, ClinGen allele CA382373530.